The following is an entry in ClinVar:

ClinVar aggregate classification (germline): Uncertain significance (1 of 4 stars; one submission).

Conditions:
ALG6-congenital disorder of glycosylation 1C (CDG1C). Also called: CARBOHYDRATE-DEFICIENT GLYCOPROTEIN SYNDROME, TYPE I, WITH DEFICIENT GLYCOSYLATION OF DOLICHOL-LINKED OLIGOSACCHARIDE; CARBOHYDRATE-DEFICIENT GLYCOPROTEIN SYNDROME, TYPE V; Congenital disorder of glycosylation type 1C; Congenital disorder of glycosylation, type Ic; CDG Ic. Identifiers: Orphanet 79320, MedGen C2930997, MONDO:0011291, OMIM 603147.

Allele frequency attached by ClinVar (database versions not stated): gnomAD 0.00001; 1000 Genomes Project 30x 0.00016; 1000 Genomes Project 0.00020.
gnomAD v4.1: 2 of 1,614,118 alleles (0.00012%); highest among the groups gnomAD compares: Admixed American, 0.0033%; no homozygotes.

Submission:

Labcorp Genetics (formerly Invitae), Labcorp
Classification: Uncertain significance for ALG6-congenital disorder of glycosylation 1C. Last evaluated: 2022-07-10. Review status: criteria provided, single submitter. Criteria: Invitae Variant Classification Sherloc (09022015). Collection method: clinical testing. Allele origin: germline.
Comment: This sequence change replaces glutamic acid, which is acidic and polar, with glycine, which is neutral and non-polar, at codon 46 of the ALG6 protein (p.Glu46Gly). This variant is not present in population databases (gnomAD no frequency). This variant has not been reported in the literature in individuals affected with ALG6-related conditions. Algorithms developed to predict the effect of missense changes on protein structure and function (SIFT, PolyPhen-2, Align-GVGD) all suggest that this variant is likely to be disruptive. In summary, the available evidence is currently insufficient to determine the role of this variant in disease. Therefore, it has been classified as a Variant of Uncertain Significance.

NM_013339.4(ALG6):c.137A>G (p.Glu46Gly)

Gene: ALG6 (ALG6 alpha-1,3-glucosyltransferase; plus strand). Cytogenetic location: 1p31.3.
Variant type: single nucleotide variant.
Coding change: c.137A>G on transcript NM_013339.4 (MANE Select); coding-DNA position 137, A replaced by G.
Protein change: p.Glu46Gly; replaces glutamic acid 46 with glycine.
Molecular consequence: missense variant.
Genome position (GRCh38, 1-based): chr1:63,396,567, A>G. VCF-style: chr1-63396567-A-G. GRCh37 (hg19) VCF-style: chr1-63862238-A-G.
Other names: short protein forms E46G.
Identifiers: ClinVar variation 2174318 (VCV002174318.1), dbSNP rs559219690, ClinGen allele CA23800627.